The following is an entry in ClinVar:

ClinVar aggregate classification (germline): Uncertain significance. Review status: criteria provided, multiple submitters, no conflicts (2 of 4 stars). 2 submissions from 2 submitters: Uncertain significance (2). Last evaluated 2024-12-31.

Conditions:
Short-rib thoracic dysplasia 6 with or without polydactyly (SRTD6). Also called: Majewski Syndrome; SHORT RIB-POLYDACTYLY SYNDROME, TYPE IIA; SHORT-RIB THORACIC DYSPLASIA 6 WITH POLYDACTYLY; SHORT-RIB THORACIC DYSPLASIA 6 WITHOUT POLYDACTYLY; POLYDACTYLY WITH NEONATAL CHONDRODYSTROPHY, TYPE II. Identifiers: MedGen C0024507, MONDO:0009894, OMIM 263520.

Allele frequency attached by ClinVar (database versions not stated): gnomAD exomes 0.00001; ExAC 0.00002; TOPMed 0.00003; gnomAD 0.00005.
gnomAD v4.1: 21 of 1,611,938 alleles (0.0013%); highest among the groups gnomAD compares: Middle Eastern, 0.016%; no homozygotes.

Submissions (2):

GeneDx
Classification: Uncertain significance. Last evaluated: 2024-12-31. Review status: criteria provided, single submitter. Criteria: GeneDx Variant Classification Process June 2021. Collection method: clinical testing. Allele origin: germline. Affected: yes.
Comment: In silico analysis supports that this missense variant has a deleterious effect on protein structure/function; In silico analysis suggests this variant may impact gene splicing. In the absence of RNA/functional studies, the actual effect of this sequence change is unknown.; Has not been previously published as pathogenic or benign to our knowledge

Labcorp Genetics (formerly Invitae), Labcorp
Classification: Uncertain significance for Short-rib thoracic dysplasia 6 with or without polydactyly. Last evaluated: 2022-10-13. Review status: criteria provided, single submitter. Criteria: Invitae Variant Classification Sherloc (09022015). Collection method: clinical testing. Allele origin: germline.
Comment: In summary, the available evidence is currently insufficient to determine the role of this variant in disease. Therefore, it has been classified as a Variant of Uncertain Significance. Algorithms developed to predict the effect of sequence changes on RNA splicing suggest that this variant may create or strengthen a splice site. Advanced modeling of protein sequence and biophysical properties (such as structural, functional, and spatial information, amino acid conservation, physicochemical variation, residue mobility, and thermodynamic stability) performed at Invitae indicates that this missense variant is not expected to disrupt NEK1 protein function. This variant has not been reported in the literature in individuals affected with NEK1-related conditions. This variant is present in population databases (rs759974644, gnomAD 0.008%). This sequence change replaces arginine, which is basic and polar, with cysteine, which is neutral and slightly polar, at codon 602 of the NEK1 protein (p.Arg602Cys).

NM_001199397.3(NEK1):c.1888C>T (p.Arg630Cys)

Gene: NEK1 (NIMA related kinase 1; minus strand). Cytogenetic location: 4q33.
Variant type: single nucleotide variant.
Coding change: c.1888C>T on transcript NM_001199397.3 (MANE Select); coding-DNA position 1888, C replaced by T.
Protein change: p.Arg630Cys; replaces arginine 630 with cysteine.
Molecular consequence: missense variant. On other transcripts: non-coding transcript variant (1).
Genome position (GRCh38, 1-based): chr4:169,507,738, G>A on the plus strand (C>T on the coding strand, the complement: NEK1 is on the minus strand). VCF-style: chr4-169507738-G-A. GRCh37 (hg19) VCF-style: chr4-170428889-G-A.
Other names: c.1804C>T (NM_012224.2); c.1756C>T, p.Arg586Cys (NM_001199398.3); c.1597C>T, p.Arg533Cys (NM_001199399.3); c.1672C>T, p.Arg558Cys (NM_001199400.3); c.1888C>T, p.Arg630Cys (NM_001374418.1); c.1804C>T, p.Arg602Cys (NM_001374419.1, NM_012224.4); c.1753C>T, p.Arg585Cys (NM_001374420.1); c.1678C>T, p.Arg560Cys (NM_001374421.1); short protein forms R558C, R602C, R630C, R533C, R585C, R560C, R586C.
Identifiers: ClinVar variation 2075312 (VCV002075312.5), dbSNP rs759974644, ClinGen allele CA3137594.